The following is an entry in ClinVar:

NM_002296.4(LBR):c.1814G>A (p.Arg605His)

Gene: LBR (lamin B receptor; minus strand). Cytogenetic location: 1q42.12.
Variant type: single nucleotide variant.
Coding change: c.1814G>A on transcript NM_002296.4 (MANE Select); coding-DNA position 1814, G replaced by A.
Protein change: p.Arg605His; replaces arginine 605 with histidine.
Molecular consequence: missense variant.
Genome position (GRCh38, 1-based): chr1:225,403,337, C>T on the plus strand (G>A on the coding strand, the complement: LBR is on the minus strand). VCF-style: chr1-225403337-C-T. GRCh37 (hg19) VCF-style: chr1-225591039-C-T.
Other names: c.1814G>A, p.Arg605His (NM_194442.3); short protein forms R605H.
Identifiers: ClinVar variation 875097 (VCV000875097.5), dbSNP rs377008758, ClinGen allele CA1417025.

ClinVar aggregate classification (germline): Uncertain significance. Review status: criteria provided, multiple submitters, no conflicts (2 of 4 stars). 2 submissions from 2 submitters: Uncertain significance (2). Last evaluated 2025-09-15.

Conditions:
Greenberg dysplasia (GRBGD). Also called: CHONDRODYSTROPHY, HYDROPIC AND PRENATALLY LETHAL TYPE; HEM SKELETAL DYSPLASIA; MOTH-EATEN SKELETAL DYSPLASIA. Identifiers: Orphanet 1426, MedGen C2931048, MONDO:0008974, OMIM 215140.

Allele frequency attached by ClinVar (database versions not stated): gnomAD exomes 0.00002; ExAC 0.00003; ESP Exome Variant Server 0.00008.
gnomAD v4.1: 31 of 1,613,106 alleles (0.0019%); highest among the groups gnomAD compares: South Asian, 0.0033%; no homozygotes.

Submissions (2):

Labcorp Genetics (formerly Invitae), Labcorp
Classification: Uncertain significance. Last evaluated: 2025-09-15. Review status: criteria provided, single submitter. Criteria: Invitae Variant Classification Sherloc (09022015). Collection method: clinical testing. Allele origin: germline.
Comment: This sequence change replaces arginine, which is basic and polar, with histidine, which is basic and polar, at codon 605 of the LBR protein (p.Arg605His). This variant is present in population databases (rs377008758, gnomAD 0.005%). This variant has not been reported in the literature in individuals affected with LBR-related conditions. ClinVar contains an entry for this variant (Variation ID: 875097). Invitae Evidence Modeling of protein sequence and biophysical properties (such as structural, functional, and spatial information, amino acid conservation, physicochemical variation, residue mobility, and thermodynamic stability) indicates that this missense variant is not expected to disrupt LBR protein function with a negative predictive value of 80%. In summary, the available evidence is currently insufficient to determine the role of this variant in disease. Therefore, it has been classified as a Variant of Uncertain Significance.

Illumina Laboratory Services, Illumina
Classification: Uncertain significance for Greenberg dysplasia. Last evaluated: 2018-01-13. Review status: criteria provided, single submitter. Criteria: ICSL Variant Classification Criteria 13 December 2019. Collection method: clinical testing. Allele origin: germline.